The following is an entry in ClinVar:

NM_005422.4(TECTA):c.4067G>A (p.Gly1356Glu)

Genes: TBCEL-TECTA (TBCEL-TECTA readthrough; plus strand), TECTA (tectorin alpha; plus strand). Cytogenetic location: 11q23.3.
Variant type: single nucleotide variant.
Coding change: c.4067G>A on transcript NM_005422.4 (MANE Select); coding-DNA position 4067, G replaced by A.
Protein change: p.Gly1356Glu; replaces glycine 1356 with glutamic acid.
Molecular consequence: missense variant.
Genome position (GRCh38, 1-based): chr11:121,146,078, G>A. VCF-style: chr11-121146078-G-A. GRCh37 (hg19) VCF-style: chr11-121016787-G-A.
Other names: c.5024G>A, p.Gly1675Glu (NM_001378761.1); short protein forms G1356E, G1675E.
Identifiers: ClinVar variation 165363 (VCV000165363.7), dbSNP rs727503461, ClinGen allele CA178100.

ClinVar aggregate classification (germline): Uncertain significance. Review status: criteria provided, multiple submitters, no conflicts (2 of 4 stars). 3 submissions from 3 submitters: Uncertain significance (3). Last evaluated 2024-10-30.

Conditions:
TECTA-related disorder. Also called: TECTA-related condition.
Inborn genetic diseases. Identifiers: MedGen C0950123, MeSH D030342.

Allele frequency attached by ClinVar (database versions not stated): gnomAD 0.00001; gnomAD exomes 0.00002 and 0.00003; TOPMed 0.00004; ExAC 0.00005.
gnomAD v4.1: 47 of 1,612,042 alleles (0.0029%); highest among the groups gnomAD compares: Non-Finnish European, 0.0038%; no homozygotes.

Submissions (3):

PreventionGenetics, part of Exact Sciences
Classification: Uncertain significance for TECTA-related condition. Last evaluated: 2024-10-30. Review status: criteria provided, single submitter. Criteria: ACMG Guidelines, 2015. Collection method: clinical testing. Allele origin: germline.
Comment: The TECTA c.4067G>A variant is predicted to result in the amino acid substitution p.Gly1356Glu. To our knowledge, this variant has not been reported in the literature. This variant is reported in 0.0054% of alleles in individuals of European (Non-Finnish) descent in gnomAD. At this time, the clinical significance of this variant is uncertain due to the absence of conclusive functional and genetic evidence.

Ambry Genetics
Classification: Uncertain significance for Inborn genetic diseases. Last evaluated: 2024-01-17. Review status: criteria provided, single submitter. Criteria: Ambry Variant Classification Scheme 2023. Collection method: clinical testing. Allele origin: germline.

Laboratory for Molecular Medicine, Mass General Brigham Personalized Medicine
Classification: Uncertain significance. Last evaluated: 2014-10-07. Review status: criteria provided, single submitter. Criteria: LMM Criteria. Collection method: clinical testing. Allele origin: germline. Observed: 1 variant allele.
Comment: The p.Gly1356Glu variant in TECTA has not been previously reported in individual s with hearing loss or in large population studies. Computational prediction too ls and conservation analyses do not provide strong support for or against an imp act to the protein. In summary, the clinical significance of the Gly1356Glu vari ant is uncertain.